The following is an entry in ClinVar:

ClinVar aggregate classification (germline): Uncertain significance (1 of 4 stars; one submission).

Conditions:
Glycogen storage disease, type II (IOPD). Also called: Glucosidase acid-1,4-alpha deficiency; CARDIOMEGALIA GLYCOGENICA DIFFUSA; GLYCOGENOSIS, GENERALIZED, CARDIAC FORM; Glycogen storage disease type 2; Acid maltase deficiency disease; Aglucosidase alfa. Identifiers: Orphanet 365, MedGen C0017921, MONDO:0009290, OMIM 232300.

Submission:

3billion
Classification: Uncertain significance for Glycogen storage disease, type II. Last evaluated: 2026-01-27. Review status: criteria provided, single submitter. Criteria: ACMG Guidelines, 2015. Collection method: clinical testing. Allele origin: germline. Affected: yes.
Comment: The variant is not observed in the gnomAD v4.1.0 dataset. Predicted Consequence/Location: Intron variant In silico tools predict the variant to alter splicing and produce an abnormal transcript [SpliceAI: 0.65 (>=0.2, moderate evidence for spliceogenicity)]. Therefore, this variant is classified as VUS according to the recommendation of ACMG/AMP guideline.

NM_000152.5(GAA):c.2189+4A>T

Gene: GAA (alpha glucosidase; plus strand). Cytogenetic location: 17q25.3.
Variant type: single nucleotide variant.
Coding change: c.2189+4A>T on transcript NM_000152.5 (MANE Select); 4 bases into the intron after coding-DNA position 2189, A replaced by T.
Molecular consequence: intron variant.
Genome position (GRCh38, 1-based): chr17:80,113,370, A>T. VCF-style: chr17-80113370-A-T. GRCh37 (hg19) VCF-style: chr17-78087169-A-T.
Other names: c.2189+4A>T (NM_001406741.1, NM_001406742.1, NM_001079803.3 and 1 more transcripts).
Identifiers: ClinVar variation 4854203 (VCV004854203.1).